The following is an entry in ClinVar:

NM_181536.2(PKD1L3):c.2220C>A (p.Ser740Arg)

Gene: PKD1L3 (polycystin 1 like 3, transient receptor potential channel interacting; minus strand). Cytogenetic location: 16q22.2.
Variant type: single nucleotide variant.
Coding change: c.2220C>A on transcript NM_181536.2 (MANE Select); coding-DNA position 2220, C replaced by A.
Protein change: p.Ser740Arg; replaces serine 740 with arginine.
Molecular consequence: missense variant.
Genome position (GRCh38, 1-based): chr16:71,967,972, G>T on the plus strand (C>A on the coding strand, the complement: PKD1L3 is on the minus strand). VCF-style: chr16-71967972-G-T. GRCh37 (hg19) VCF-style: chr16-72001871-G-T.
Other names: c.2220C>A (NM_181536.1); short protein forms S740R.
Identifiers: ClinVar variation 2646803 (VCV002646803.25), dbSNP rs372942015, ClinGen allele CA8158090.
Genomic context (GRCh38, chr16:71,967,972, plus strand): 5'-TGTTGTAGCAGCGCTTCTTCGATATCCGGTGTAGACCTGAATAAGGTAGTGAAATTGAGC[G>T]CTGGGGTCATTATCAGCCAGGACAGTGACCTTCACCTGCAAGAAAAGCAGAACCATGCAA-3'
Protein context (NP_853514.1, residues 730-750): KVTVLADNDP[Ser740Arg]AQFHYLIQVY

ClinVar aggregate classification (germline): Conflicting classifications of pathogenicity. Review status: criteria provided, conflicting classifications (1 of 4 stars). 2 submissions from 2 submitters: Uncertain significance (1); Likely benign (1). Last evaluated 2025-08-02.

Allele frequency attached by ClinVar (database versions not stated): ExAC 0.00028; ESP Exome Variant Server 0.00044; 1000 Genomes Project 30x 0.00047; 1000 Genomes Project 0.00060.
gnomAD v4.1: 169 of 1,551,482 alleles (0.011%); highest among the groups gnomAD compares: African/African-American, 0.086%; no homozygotes.

Submissions (2):

Ambry Genetics
Classification: Uncertain significance. Last evaluated: 2025-08-02. Review status: criteria provided, single submitter. Criteria: Ambry Variant Classification Scheme 2023. Collection method: clinical testing. Allele origin: germline.

CeGaT Center for Human Genetics Tuebingen
Classification: Likely benign. Last evaluated: 2023-10-01. Review status: criteria provided, single submitter. Criteria: CeGaT Center For Human Genetics Tuebingen Variant Classification Criteria Version 2. Collection method: clinical testing. Allele origin: germline. Affected: yes. Observed: 1 variant allele.
Comment: PKD1L3: BP4